The following is an entry in ClinVar:

NM_001164508.2(NEB):c.18945G>A (p.Trp6315Ter)

Gene: NEB (nebulin; minus strand). Cytogenetic location: 2q23.3.
Variant type: single nucleotide variant.
Coding change: c.18945G>A on transcript NM_001164508.2 (MANE Select); coding-DNA position 18945, G replaced by A.
Protein change: p.Trp6315Ter; replaces tryptophan 6315 with a stop codon.
Molecular consequence: nonsense.
Genome position (GRCh38, 1-based): chr2:151,562,161, C>T on the plus strand (G>A on the coding strand, the complement: NEB is on the minus strand). VCF-style: chr2-151562161-C-T. GRCh37 (hg19) VCF-style: chr2-152418675-C-T.
Other names: c.18945G>A, p.Trp6315Ter (NM_001164507.2, NM_001271208.2); c.13842G>A, p.Trp4614Ter (NM_004543.5); short protein forms W4614*, W6315*.
Identifiers: ClinVar variation 1726392 (VCV001726392.2), dbSNP rs1487491068, ClinGen allele CA348796976.

ClinVar aggregate classification (germline): Likely pathogenic (1 of 4 stars; one submission).

Conditions:
Nemaline myopathy 2 (NEM2). Also called: Nemaline myopathy 2, autosomal recessive. Identifiers: MedGen C1850569, MONDO:0009725, OMIM 256030.

Submission:

Myriad Genetics, Inc.
Classification: Likely pathogenic for Nemaline myopathy 2. Last evaluated: 2021-12-17. Review status: criteria provided, single submitter. Criteria: Myriad Women's Health Autosomal Recessive and X-Linked Classification Criteria (2021). Collection method: clinical testing. Allele origin: unknown.
Comment: NM_001271208.1(NEB):c.18945G>A(W6315*) is expected to be pathogenic in the context of NEB-related nemaline myopathy. This variant is predicted to lead to an abnormal or absent protein product due to the creation of a premature termination codon in NEB, a gene where loss-of-function variants are known to be pathogenic. Please note: this variant was assessed in the context of healthy population screening.